The following is an entry in ClinVar:

NM_145064.3(STAC3):c.505+6T>G

Gene: STAC3 (SH3 and cysteine rich domain 3; minus strand). Cytogenetic location: 12q13.3.
Variant type: single nucleotide variant.
Coding change: c.505+6T>G on transcript NM_145064.3 (MANE Select); 6 bases into the intron after coding-DNA position 505, T replaced by G.
Molecular consequence: intron variant.
Genome position (GRCh38, 1-based): chr12:57,248,120, A>C on the plus strand (T>G on the coding strand, the complement: STAC3 is on the minus strand). VCF-style: chr12-57248120-A-C. GRCh37 (hg19) VCF-style: chr12-57641903-A-C.
Other names: c.-54+6T>G (NM_001286257.2); c.388+6T>G (NM_001286256.2).
Identifiers: ClinVar variation 1479778 (VCV001479778.4), dbSNP rs2136832342, ClinGen allele CA2573148837.
Genomic context (GRCh38, chr12:57,248,120, plus strand): 5'-GCTAGAGATGGCATGAAACCATCTCTAGGCTTGCCCATTCCCTCATGTTCCATAAAGGGC[A>C]CTTACAGAGATCTTTGACACAAGCGTACTGCTGGTTGCTGTAGAGTGGGGAACTATAGGC-3'

ClinVar aggregate classification (germline): Uncertain significance (1 of 4 stars; one submission).

Conditions:
Bailey-Bloch congenital myopathy (CMYO13). Also called: Native American myopathy; Congenital myopathy 13; STAC3 disorder. Identifiers: Orphanet 168572, MedGen C1850625, MONDO:0009722, OMIM 255995.

Submission:

Labcorp Genetics (formerly Invitae), Labcorp
Classification: Uncertain significance for Bailey-Bloch congenital myopathy. Last evaluated: 2021-11-19. Review status: criteria provided, single submitter. Criteria: Invitae Variant Classification Sherloc (09022015). Collection method: clinical testing. Allele origin: germline.
Comment: In summary, the available evidence is currently insufficient to determine the role of this variant in disease. Therefore, it has been classified as a Variant of Uncertain Significance. Variants that disrupt the consensus splice site are a relatively common cause of aberrant splicing (PMID: 17576681, 9536098). Algorithms developed to predict the effect of sequence changes on RNA splicing suggest that this variant may disrupt the consensus splice site. This variant has not been reported in the literature in individuals affected with STAC3-related conditions. This variant is not present in population databases (gnomAD no frequency). This sequence change falls in intron 5 of the STAC3 gene. It does not directly change the encoded amino acid sequence of the STAC3 protein. It affects a nucleotide within the consensus splice site.

Literature cited by the submitters: PubMed 17576681; PubMed 9536098.